The following is an entry in ClinVar:

NM_018012.4(KIF26B):c.2496C>A (p.Pro832=)

Gene: KIF26B (kinesin family member 26B; plus strand). Cytogenetic location: 1q44.
Variant type: single nucleotide variant.
Coding change: c.2496C>A on transcript NM_018012.4 (MANE Select); coding-DNA position 2496, C replaced by A.
Protein change: p.Pro832=; no amino-acid change (proline 832 retained).
Molecular consequence: synonymous variant.
Genome position (GRCh38, 1-based): chr1:245,685,479, C>A. VCF-style: chr1-245685479-C-A. GRCh37 (hg19) VCF-style: chr1-245848781-C-A.
Other names: c.2496C>A (NM_018012.3).
Identifiers: ClinVar variation 1335027 (VCV001335027.35), dbSNP rs200317382, ClinGen allele CA1488023.

ClinVar aggregate classification (germline): Likely benign. Review status: criteria provided, single submitter (1 of 4 stars). 2 submissions from 2 submitters: Likely benign (1). 1 of the submissions does not count toward it. Last evaluated 2022-05-01.

Conditions:
KIF26B-related disorder. Also called: KIF26B-related condition.

Allele frequency attached by ClinVar (database versions not stated): ESP Exome Variant Server 0.00062; 1000 Genomes Project 30x 0.00078; gnomAD 0.00078 and 0.00110; 1000 Genomes Project 0.00080; ExAC 0.00107; TOPMed 0.00113.
gnomAD v4.1: 1,968 of 1,613,856 alleles (0.12%); highest among the groups gnomAD compares: Non-Finnish European, 0.15%; 7 homozygotes.

Submissions (2):

CeGaT Center for Human Genetics Tuebingen
Classification: Likely benign. Last evaluated: 2022-05-01. Review status: criteria provided, single submitter. Criteria: CeGaT Center For Human Genetics Tuebingen Variant Classification Criteria Version 2. Collection method: clinical testing. Allele origin: germline. Affected: yes. Observed: 2 variant alleles.
Comment: KIF26B: BP4, BP7

PreventionGenetics, part of Exact Sciences
Classification: Likely benign for KIF26B-related condition. Last evaluated: 2019-06-24. Review status: no assertion criteria provided. Collection method: clinical testing. Allele origin: germline. Not counted in ClinVar's aggregate classification.
Comment: This variant is classified as likely benign based on ACMG/AMP sequence variant interpretation guidelines (Richards et al. 2015 PMID: 25741868, with internal and published modifications).